The following is an entry in ClinVar:

NM_172107.4(KCNQ2):c.638G>A (p.Arg213Gln)

Gene: KCNQ2 (potassium voltage-gated channel subfamily Q member 2; minus strand). Cytogenetic location: 20q13.33.
Variant type: single nucleotide variant.
Coding change: c.638G>A on transcript NM_172107.4 (MANE Select); coding-DNA position 638, G replaced by A.
Protein change: p.Arg213Gln; replaces arginine 213 with glutamine.
Molecular consequence: missense variant.
Genome position (GRCh38, 1-based): chr20:63,444,711, C>T on the plus strand (G>A on the coding strand, the complement: KCNQ2 is on the minus strand). VCF-style: chr20-63444711-C-T. GRCh37 (hg19) VCF-style: chr20-62076064-C-T.
Other names: p.R213Q:CGG>CAG; c.638G>A, p.Arg213Gln (NM_004518.6, NM_172106.3, NM_172108.5 and 1 more transcripts); short protein forms R213Q.
Identifiers: ClinVar variation 39760 (VCV000039760.21), dbSNP rs397514581, ClinGen allele CA130528.

ClinVar aggregate classification (germline): Pathogenic/Likely pathogenic. Review status: criteria provided, multiple submitters, no conflicts (2 of 4 stars). 9 submissions from 9 submitters: Pathogenic (4); Likely pathogenic (3). 2 of the submissions do not count toward it. Last evaluated 2025-09-30.

Conditions:
Early-infantile DEE. Also called: Early infantile epileptic encephalopathy; Early infantile epileptic encephalopathy with suppression bursts; Ohtahara syndrome. Identifiers: Orphanet 1934, MedGen C0393706, MONDO:0800491.
Inborn genetic diseases. Identifiers: MedGen C0950123, MeSH D030342.
Developmental and epileptic encephalopathy, 7 (DEE7). Also called: Early infantile epileptic encephalopathy 7; KCNQ2-Related Neonatal-Onset Developmental and Epileptic Encephalopathy (NEO-DEE); KCNQ2-Related Neonatal Epileptic Encephalopathy. Identifiers: Orphanet 439218, MedGen C3150986, MONDO:0013387, OMIM 613720.
Seizures, benign familial neonatal, 1. Also called: Seizures, benign neonatal, 1; KCNQ2-Related Self-Limited Familial Neonatal Epilepsy (SLFNE); KCNQ2-Related Benign Familial Neonatal Epilepsy; Benign Neonatal Epilepsy 1. Identifiers: Orphanet 1949, MedGen C3149074, MONDO:0007365, OMIM 121200.

Submissions (9):

GeneDx
Classification: Pathogenic. Last evaluated: 2025-09-30. Review status: criteria provided, single submitter. Criteria: GeneDx Variant Classification Process June 2021. Collection method: clinical testing. Allele origin: germline. Affected: yes.
Comment: Published functional studies demonstrate reduction in channel voltage sensitivity and in the stability of the ion channel (PMID: 22455920, 24318194); In silico analysis supports that this missense variant has a deleterious effect on protein structure/function; Not observed at significant frequency in large population cohorts (gnomAD); This variant is associated with the following publications: (PMID: 25982755, 22275249, 29455050, 22455920, 23440208, 24318194, 32917465, 36403551, 37071954, 31440721, 35231114, 26993267, 32139178, 38814296)

Labcorp Genetics (formerly Invitae), Labcorp
Classification: Pathogenic for Early-infantile DEE. Last evaluated: 2022-11-22. Review status: criteria provided, single submitter. Criteria: Invitae Variant Classification Sherloc (09022015). Collection method: clinical testing. Allele origin: germline.
Comment: This sequence change replaces arginine, which is basic and polar, with glutamine, which is neutral and polar, at codon 213 of the KCNQ2 protein (p.Arg213Gln). This variant is not present in population databases (gnomAD no frequency). This missense change has been observed in individuals with early infantile epileptic encephalopathy (PMID: 22275249, 26993267). ClinVar contains an entry for this variant (Variation ID: 39760). Advanced modeling of protein sequence and biophysical properties (such as structural, functional, and spatial information, amino acid conservation, physicochemical variation, residue mobility, and thermodynamic stability) performed at Invitae indicates that this missense variant is expected to disrupt KCNQ2 protein function. Experimental studies have shown that this missense change affects KCNQ2 function (PMID: 22455920, 23440208, 24318194). This variant disrupts the p.Arg213 amino acid residue in KCNQ2. Other variant(s) that disrupt this residue have been determined to be pathogenic (PMID: 18353052, 23440208). This suggests that this residue is clinically significant, and that variants that disrupt this residue are likely to be disease-causing. For these reasons, this variant has been classified as Pathogenic.

Fulgent Genetics
Classification: Pathogenic for Seizures, benign familial neonatal, 1; Developmental and epileptic encephalopathy, 7. Last evaluated: 2018-10-31. Review status: criteria provided, single submitter. Criteria: ACMG Guidelines, 2015. Collection method: clinical testing. Allele origin: unknown.

Cytogénomique, Hospices Civils de Lyon
Classification: Pathogenic for Developmental and epileptic encephalopathy, 7. Last evaluated: 2017-08-10. Review status: criteria provided, single submitter. Criteria: ACMG Guidelines, 2015. Collection method: clinical testing. Allele origin: de novo. Inheritance: Autosomal dominant inheritance. Affected: yes.

Ambry Genetics
Classification: Likely pathogenic for Inborn genetic diseases. Last evaluated: 2017-06-29. Review status: criteria provided, single submitter. Criteria: Ambry Variant Classification Scheme 2023. Collection method: clinical testing. Allele origin: germline.
Comment: The p.R213Q variant (also known as c.638G>A), located in coding exon 4 of the KCNQ2 gene, results from a G to A substitution at nucleotide position 638. The arginine at codon 213 is replaced by glutamine, an amino acid with highly similar properties. This variant also occurred de novo in an individual with early infantile epileptic encephalopathy; however, it is not clear if paternity was confirmed (Trump N et al. J. Med. Genet., 2016 May;53:310-7). In addition, expression of this alteration in CHO cells and Xenopus oocytes showed a decrease in channel voltage sensitivity and large shifts in voltage-dependent activation, respectively (Miceli F et al. Proc. Natl. Acad. Sci. U.S.A., 2013 Mar;110:4386-91; Orhan G et al. Ann. Neurol., 2014 Mar;75:382-94). This amino acid position is highly conserved in available vertebrate species. In addition, this alteration is predicted to be deleterious by in silico analysis. Based on the majority of available evidence to date, this variant is likely to be pathogenic.

Genetic Services Laboratory, University of Chicago
Classification: Likely pathogenic for Epileptic encephalopathy, early infantile, 7. Last evaluated: 2013-04-15. Review status: criteria provided, single submitter. Criteria: ACMG Guidelines, 2007. Collection method: clinical testing. Allele origin: germline. Inheritance: Autosomal dominant inheritance. Affected: yes.

Juno Genomics, Hangzhou Juno Genomics, Inc
Classification: Likely pathogenic for Developmental and epileptic encephalopathy, 7; Seizures, benign familial neonatal, 1. Review status: criteria provided, single submitter. Criteria: ACMG Guidelines, 2015. Collection method: clinical testing. Allele origin: germline. Affected: yes.
Comment: Absent from controls (or at extremely low frequency if recessive) in Genome Aggregation Database, Exome Sequencing Project, 1000 Genomes Project, or Exome Aggregation Consortium.;Well-established in vitro or in vivo functional studies supportive of a damaging effect on the gene or gene product.;Missense variant in a gene that has a low rate of benign missense variation and where missense variants are a common mechanism of disease.;The prevalence of the variant in affected individuals is significantly increased compared to the prevalence in controls.;Patient's phenotype or family history is highly specific for a disease with a single genetic etiology.;De novo (both maternity and paternity confirmed) in a patient with the disease and no family history.;Novel missense change at an amino acid residue where a different missense change determined to be pathogenic has been seen before.

OMIM
Classification: Pathogenic for DEVELOPMENTAL AND EPILEPTIC ENCEPHALOPATHY 7. Last evaluated: 2012-01-01. Review status: no assertion criteria provided. Collection method: literature only. Allele origin: germline. Not counted in ClinVar's aggregate classification.

GeneReviews
No classification provided. Condition: Developmental and epileptic encephalopathy, 7. Review status: no classification provided. Collection method: literature only. Allele origin: germline. Affected: yes. Not counted in ClinVar's aggregate classification.
Comment: EE (epileptic encephalopathy)

Functional effect: Marked rightward shift in current voltage-dependence (more intense that the p. R213W mutation); increased rate of channel deactivation

Literature cited by the submitters: PubMed 22275249 (cited by 5 submitters); PubMed 26993267 (cited by Labcorp Genetics (formerly Invitae), Labcorp and Ambry Genetics); PubMed 22455920 (cited by Labcorp Genetics (formerly Invitae), Labcorp); PubMed 23440208 (cited by 3 submitters); PubMed 24318194 (cited by Labcorp Genetics (formerly Invitae), Labcorp and Ambry Genetics); PubMed 18353052 (cited by Labcorp Genetics (formerly Invitae), Labcorp); PubMed 25982755 (cited by Ambry Genetics and GeneReviews); NCBI Bookshelf NBK32534 (cited by GeneReviews).